The following is an entry in ClinVar:

ClinVar aggregate classification (germline): Uncertain significance (1 of 4 stars; one submission).

Conditions:
Long QT syndrome (LQTS). Identifiers: MedGen C0023976, MeSH D008133, MONDO:0002442. Disease mechanism: loss of function. Inheritance: Various modes of inheritance.

Allele frequency attached by ClinVar (database versions not stated): TOPMed below 0.00001; gnomAD exomes below 0.00001.
gnomAD v4.1: 4 of 1,613,938 alleles (0.00025%); highest among the groups gnomAD compares: African/African-American, 0.0013%; no homozygotes.

Submission:

Labcorp Genetics (formerly Invitae), Labcorp
Classification: Uncertain significance for Long QT syndrome. Last evaluated: 2022-10-05. Review status: criteria provided, single submitter. Criteria: Invitae Variant Classification Sherloc (09022015). Collection method: clinical testing. Allele origin: germline.
Comment: This variant has not been reported in the literature in individuals affected with AKAP9-related conditions. ClinVar contains an entry for this variant (Variation ID: 838397). Algorithms developed to predict the effect of missense changes on protein structure and function output the following: SIFT: "Tolerated"; PolyPhen-2: "Benign"; Align-GVGD: "Class C0". The alanine amino acid residue is found in multiple mammalian species, which suggests that this missense change does not adversely affect protein function. In summary, the available evidence is currently insufficient to determine the role of this variant in disease. Therefore, it has been classified as a Variant of Uncertain Significance. This variant is not present in population databases (gnomAD no frequency). This sequence change replaces threonine, which is neutral and polar, with alanine, which is neutral and non-polar, at codon 1505 of the AKAP9 protein (p.Thr1505Ala).

NM_005751.5(AKAP9):c.4513A>G (p.Thr1505Ala)

Gene: AKAP9 (A-kinase anchoring protein 9; plus strand). Cytogenetic location: 7q21.2.
Variant type: single nucleotide variant.
Coding change: c.4513A>G on transcript NM_005751.5 (MANE Select); coding-DNA position 4513, A replaced by G.
Protein change: p.Thr1505Ala; replaces threonine 1505 with alanine.
Molecular consequence: missense variant.
Genome position (GRCh38, 1-based): chr7:92,038,593, A>G. VCF-style: chr7-92038593-A-G. GRCh37 (hg19) VCF-style: chr7-91667907-A-G.
Other names: c.4513A>G, p.Thr1505Ala (NM_147185.3); short protein forms T1505A.
Identifiers: ClinVar variation 838397 (VCV000838397.9), dbSNP rs1228321833, ClinGen allele CA368128934.